The following is an entry in ClinVar:

ClinVar aggregate classification (germline): Likely benign (0 of 4 stars; one submission).

Conditions:
PUS7-related disorder. Also called: PUS7-related condition.

Allele frequency attached by ClinVar (database versions not stated): gnomAD exomes 0.00018; gnomAD 0.00203; 1000 Genomes Project 0.00220; 1000 Genomes Project 30x 0.00250; ESP Exome Variant Server 0.00254.
gnomAD v4.1: 576 of 1,608,488 alleles (0.036%); highest among the groups gnomAD compares: African/African-American, 0.71%; 4 homozygotes.

Submission:

PreventionGenetics, part of Exact Sciences
Classification: Likely benign for PUS7-related condition. Last evaluated: 2019-09-19. Review status: no assertion criteria provided. Collection method: clinical testing. Allele origin: germline.
Comment: This variant is classified as likely benign based on ACMG/AMP sequence variant interpretation guidelines (Richards et al. 2015 PMID: 25741868, with internal and published modifications).

NM_019042.5(PUS7):c.816T>C (p.Ala272=)

Gene: PUS7 (pseudouridine synthase 7; minus strand). Cytogenetic location: 7q22.3.
Variant type: single nucleotide variant.
Coding change: c.816T>C on transcript NM_019042.5 (MANE Select); coding-DNA position 816, T replaced by C.
Protein change: p.Ala272=; no amino-acid change (alanine 272 retained).
Molecular consequence: synonymous variant.
Genome position (GRCh38, 1-based): chr7:105,495,168, A>G on the plus strand (T>C on the coding strand, the complement: PUS7 is on the minus strand). VCF-style: chr7-105495168-A-G. GRCh37 (hg19) VCF-style: chr7-105135615-A-G.
Other names: c.834T>C, p.Ala278= (NM_001318163.1); c.816T>C, p.Ala272= (NM_001318164.2).
Identifiers: ClinVar variation 3040770 (VCV003040770.2), dbSNP rs148835593, ClinGen allele CA4426076.